The following is an entry in ClinVar:

NM_004453.4(ETFDH):c.214G>A (p.Val72Ile)

Gene: ETFDH (electron transfer flavoprotein dehydrogenase; plus strand). Cytogenetic location: 4q32.1.
Variant type: single nucleotide variant.
Coding change: c.214G>A on transcript NM_004453.4 (MANE Select); coding-DNA position 214, G replaced by A.
Protein change: p.Val72Ile; replaces valine 72 with isoleucine.
Molecular consequence: missense variant.
Genome position (GRCh38, 1-based): chr4:158,682,233, G>A. VCF-style: chr4-158682233-G-A. GRCh37 (hg19) VCF-style: chr4-159603385-G-A.
Other names: c.73G>A, p.Val25Ile (NM_001281737.2); c.31G>A, p.Val11Ile (NM_001281738.1); short protein forms V11I, V25I, V72I.
Identifiers: ClinVar variation 2416396 (VCV002416396.3), dbSNP rs1159738568, ClinGen allele CA358573902.

ClinVar aggregate classification (germline): Uncertain significance (1 of 4 stars; one submission).

Conditions:
Multiple acyl-CoA dehydrogenase deficiency (MADD). Also called: Glutaric aciduria, type 2; Glutaric acidemia type II; GA 2; ETHYLMALONIC-ADIPICACIDURIA; GA II; Glutaric Acidemia type 2. Identifiers: Orphanet 26791, MedGen C0268596, MONDO:0009282, OMIM 231680.

Allele frequency attached by ClinVar (database versions not stated): gnomAD exomes below 0.00001; TOPMed below 0.00001.
gnomAD v4.1: 4 of 1,614,190 alleles (0.00025%); highest among the groups gnomAD compares: Admixed American, 0.0017%; no homozygotes.

Submission:

Labcorp Genetics (formerly Invitae), Labcorp
Classification: Uncertain significance for Multiple acyl-CoA dehydrogenase deficiency. Last evaluated: 2024-02-02. Review status: criteria provided, single submitter. Criteria: Invitae Variant Classification Sherloc (09022015). Collection method: clinical testing. Allele origin: germline.
Comment: This sequence change replaces valine, which is neutral and non-polar, with isoleucine, which is neutral and non-polar, at codon 72 of the ETFDH protein (p.Val72Ile). This variant is present in population databases (no rsID available, gnomAD 0.003%). This variant has not been reported in the literature in individuals affected with ETFDH-related conditions. ClinVar contains an entry for this variant (Variation ID: 2416396). Advanced modeling of protein sequence and biophysical properties (such as structural, functional, and spatial information, amino acid conservation, physicochemical variation, residue mobility, and thermodynamic stability) performed at Invitae indicates that this missense variant is not expected to disrupt ETFDH protein function with a negative predictive value of 80%. In summary, the available evidence is currently insufficient to determine the role of this variant in disease. Therefore, it has been classified as a Variant of Uncertain Significance.